The following is an entry in ClinVar:

NM_003742.4(ABCB11):c.3411+10G>A

Gene: ABCB11 (ATP binding cassette subfamily B member 11; minus strand). Cytogenetic location: 2q31.1.
Variant type: single nucleotide variant.
Coding change: c.3411+10G>A on transcript NM_003742.4 (MANE Select); 10 bases into the intron after coding-DNA position 3411, G replaced by A.
Molecular consequence: intron variant.
Genome position (GRCh38, 1-based): chr2:168,930,655, C>T on the plus strand (G>A on the coding strand, the complement: ABCB11 is on the minus strand). VCF-style: chr2-168930655-C-T. GRCh37 (hg19) VCF-style: chr2-169787165-C-T.
Other names: c.3411+10G>A (LRG_1199t1).
Identifiers: ClinVar variation 596230 (VCV000596230.22), dbSNP rs188996270, ClinGen allele CA1951036.
Genomic context (GRCh38, chr2:168,930,655, plus strand): 5'-TGAAGCCCACTTTTAGGGGTTGGAAATACTCTGCAGAAGGCAAAATTCTCAAAAAGGTTG[C>T]GTGGCTTACCACCTTCCCTTGATCAGGATCATAGAAACGTTCCAACAGCTGAATGCTAGT-3'

ClinVar aggregate classification (germline): Conflicting classifications of pathogenicity. Review status: criteria provided, conflicting classifications (1 of 4 stars). 5 submissions from 5 submitters: Uncertain significance (1); Likely benign (2). 2 of the submissions do not count toward it. Last evaluated 2025-12-07.

Conditions:
ABCB11-related disorder. Also called: ABCB11-related condition.
Progressive familial intrahepatic cholestasis type 2. Identifiers: Orphanet 79304, MedGen C3489789, MONDO:0011156, OMIM 601847.

Allele frequency attached by ClinVar (database versions not stated): gnomAD 0.00003 and 0.00005; TOPMed 0.00003; gnomAD exomes 0.00008; ExAC 0.00009; 1000 Genomes Project 0.00040; 1000 Genomes Project 30x 0.00062.
gnomAD v4.1: 39 of 1,485,570 alleles (0.0026%); highest among the groups gnomAD compares: East Asian, 0.057%; no homozygotes.

Submissions (5):

Labcorp Genetics (formerly Invitae), Labcorp
Classification: Likely benign. Last evaluated: 2025-12-07. Review status: criteria provided, single submitter. Criteria: Invitae Variant Classification Sherloc (09022015). Collection method: clinical testing. Allele origin: germline.

Eurofins Ntd Llc (ga)
Classification: Uncertain significance. Last evaluated: 2018-02-22. Review status: criteria provided, single submitter. Criteria: EGL ClinVar v180209 classification definitions. Collection method: clinical testing. Allele origin: germline. Observed: 1 variant allele, 1 heterozygote.

Illumina Laboratory Services, Illumina
Classification: Likely benign for Progressive familial intrahepatic cholestasis type 2. Last evaluated: 2017-04-27. Review status: criteria provided, single submitter. Criteria: ICSL Variant Classification Criteria 13 December 2019. Collection method: clinical testing. Allele origin: germline.
Comment: This variant was observed as part of a predisposition screen in an ostensibly healthy population. A literature search was performed for the gene, cDNA change, and amino acid change (where applicable). No publications were found based on this search. Allele frequency data from public databases allowed determination this variant is unlikely to cause disease. Therefore, this variant is classified as likely benign.

PreventionGenetics, part of Exact Sciences
Classification: Likely benign for ABCB11-related condition. Last evaluated: 2021-11-04. Review status: no assertion criteria provided. Collection method: clinical testing. Allele origin: germline. Not counted in ClinVar's aggregate classification.
Comment: This variant is classified as likely benign based on ACMG/AMP sequence variant interpretation guidelines (Richards et al. 2015 PMID: 25741868, with internal and published modifications).

Natera, Inc.
Classification: Uncertain significance for Progressive familial intrahepatic cholestasis type 2. Last evaluated: 2019-10-28. Review status: no assertion criteria provided. Collection method: clinical testing. Allele origin: germline. Not counted in ClinVar's aggregate classification.